The following is an entry in ClinVar:

NM_144701.3(IL23R):c.1628C>A (p.Thr543Lys)

Gene: IL23R (interleukin 23 receptor; plus strand). Cytogenetic location: 1p31.3.
Variant type: single nucleotide variant.
Coding change: c.1628C>A on transcript NM_144701.3 (MANE Select); coding-DNA position 1628, C replaced by A.
Protein change: p.Thr543Lys; replaces threonine 543 with lysine.
Molecular consequence: missense variant.
Genome position (GRCh38, 1-based): chr1:67,258,866, C>A. VCF-style: chr1-67258866-C-A. GRCh37 (hg19) VCF-style: chr1-67724549-C-A.
Other names: short protein forms T543K.
Identifiers: ClinVar variation 4770921 (VCV004770921.1).

ClinVar aggregate classification (germline): Uncertain significance (1 of 4 stars; one submission).

Submission:

Labcorp Genetics (formerly Invitae), Labcorp
Classification: Uncertain significance. Last evaluated: 2025-07-08. Review status: criteria provided, single submitter. Criteria: Invitae Variant Classification Sherloc (09022015). Collection method: clinical testing. Allele origin: germline.
Comment: This sequence change replaces threonine, which is neutral and polar, with lysine, which is basic and polar, at codon 543 of the IL23R protein (p.Thr543Lys). This variant is not present in population databases (gnomAD no frequency). This variant has not been reported in the literature in individuals affected with IL23R-related conditions. An algorithm developed to predict the effect of missense changes on protein structure and function (PolyPhen-2) suggests that this variant is likely to be disruptive. In summary, the available evidence is currently insufficient to determine the role of this variant in disease. Therefore, it has been classified as a Variant of Uncertain Significance.